The following is an entry in ClinVar:

NM_005909.5(MAP1B):c.7195C>T (p.Arg2399Trp)

Gene: MAP1B (microtubule associated protein 1B; plus strand). Cytogenetic location: 5q13.2.
Variant type: single nucleotide variant.
Coding change: c.7195C>T on transcript NM_005909.5 (MANE Select); coding-DNA position 7195, C replaced by T.
Protein change: p.Arg2399Trp; replaces arginine 2399 with tryptophan.
Molecular consequence: missense variant.
Genome position (GRCh38, 1-based): chr5:72,203,745, C>T. VCF-style: chr5-72203745-C-T. GRCh37 (hg19) VCF-style: chr5-71499572-C-T.
Other names: c.6817C>T, p.Arg2273Trp (NM_001324255.2); short protein forms R2399W, R2273W.
Identifiers: ClinVar variation 4981638 (VCV004981638.1).

ClinVar aggregate classification (germline): Uncertain significance (1 of 4 stars; one submission).

Conditions:
MAP1B-related disorder. Also called: MAP1B-related condition.

gnomAD v4.1: 92 of 1,613,550 alleles (0.0057%); highest among the groups gnomAD compares: Non-Finnish European, 0.0075%; no homozygotes.

Submission:

PreventionGenetics, part of Exact Sciences
Classification: Uncertain significance for MAP1B-related condition. Last evaluated: 2024-11-13. Review status: criteria provided, single submitter. Criteria: ACMG Guidelines, 2015. Collection method: clinical testing. Allele origin: germline.
Comment: The MAP1B c.7195C>T variant is predicted to result in the amino acid substitution p.Arg2399Trp. To our knowledge, this variant has not been reported in the literature. This variant is reported in 0.0046% of alleles in individuals of European (Non-Finnish) descent in gnomAD. At this time, the clinical significance of this variant is uncertain due to the absence of conclusive functional and genetic evidence.